The following is an entry in ClinVar:

ClinVar aggregate classification (germline): Likely benign. Review status: criteria provided, multiple submitters, no conflicts (2 of 4 stars). 3 submissions from 3 submitters: Likely benign (3). Last evaluated 2026-01-28.

Conditions:
ARSB-related disorder. Also called: ARSB-related condition.
Mucopolysaccharidosis type 6 (MPS6). Also called: ARSB DEFICIENCY; ARYLSULFATASE B DEFICIENCY; N-ACETYLGALACTOSAMINE-4-SULFATASE DEFICIENCY; MPS 6; Maroteaux Lamy syndrome; MPS VI. Identifiers: Orphanet 583, MedGen C0026709, MONDO:0009661, OMIM 253200.

Submissions (3):

Labcorp Genetics (formerly Invitae), Labcorp
Classification: Likely benign for Mucopolysaccharidosis type 6. Last evaluated: 2026-01-28. Review status: criteria provided, single submitter. Criteria: Invitae Variant Classification Sherloc (09022015). Collection method: clinical testing. Allele origin: germline.

PreventionGenetics, part of Exact Sciences
Classification: Likely benign for ARSB-related condition. Last evaluated: 2025-07-12. Review status: criteria provided, single submitter. Criteria: ACMG Guidelines, 2015. Collection method: clinical testing. Allele origin: germline.
Comment: This variant is classified as likely benign based on ACMG/AMP sequence variant interpretation guidelines (Richards et al. 2015 PMID: 25741868, with internal and published modifications).

CeGaT Center for Human Genetics Tuebingen
Classification: Likely benign. Last evaluated: 2022-08-01. Review status: criteria provided, single submitter. Criteria: CeGaT Center For Human Genetics Tuebingen Variant Classification Criteria Version 2. Collection method: clinical testing. Allele origin: germline. Affected: yes. Observed: 1 variant allele.
Comment: ARSB: BP4, BP7

NM_000046.5(ARSB):c.1404A>C (p.Pro468=)

Gene: ARSB (arylsulfatase B; minus strand). Cytogenetic location: 5q14.1.
Variant type: single nucleotide variant.
Coding change: c.1404A>C on transcript NM_000046.5 (MANE Select); coding-DNA position 1404, A replaced by C.
Protein change: p.Pro468=; no amino-acid change (proline 468 retained).
Molecular consequence: synonymous variant.
Genome position (GRCh38, 1-based): chr5:78,780,595, T>G on the plus strand (A>C on the coding strand, the complement: ARSB is on the minus strand). VCF-style: chr5-78780595-T-G. GRCh37 (hg19) VCF-style: chr5-78076418-T-G.
Identifiers: ClinVar variation 727757 (VCV000727757.36), dbSNP rs1580961280, ClinGen allele CA445400417.